The following is an entry in ClinVar:

ClinVar aggregate classification (germline): Uncertain significance. Review status: criteria provided, multiple submitters, no conflicts (2 of 4 stars). 2 submissions from 2 submitters: Uncertain significance (2). Last evaluated 2021-05-21.

Conditions:
Deafness-lymphedema-leukemia syndrome. Also called: Emberger syndrome; Lymphedema, primary, with myelodysplasia. Identifiers: Orphanet 3226, MedGen C3279664, MONDO:0013540, OMIM 614038.
Monocytopenia with susceptibility to infections. Also called: MONOCYTOPENIA AND MYCOBACTERIAL INFECTION SYNDROME; MONOCYTOPENIA WITH SUSCEPTIBILITY TO MYCOBACTERIAL, FUNGAL, AND PAPILLOMAVIRUS INFECTIONS AND MYELODYSPLASIA; COMBINED IMMUNODEFICIENCY WITH SUSCEPTIBILITY TO MYCOBACTERIAL, VIRAL, AND FUNGAL INFECTIONS; GATA2 DEFICIENCY; IMMUNODEFICIENCY 21; Dendritic cell, monocyte, B lymphocyte, and natural killer lymphocyte deficiency. Identifiers: Orphanet 228423, MedGen C3280030, MONDO:0013607, OMIM 614172.

Submissions (2):

Labcorp Genetics (formerly Invitae), Labcorp
Classification: Uncertain significance for Monocytopenia with susceptibility to infections; Deafness-lymphedema-leukemia syndrome. Last evaluated: 2021-05-21. Review status: criteria provided, single submitter. Criteria: Invitae Variant Classification Sherloc (09022015). Collection method: clinical testing. Allele origin: germline.
Comment: In summary, the available evidence is currently insufficient to determine the role of this variant in disease. Therefore, it has been classified as a Variant of Uncertain Significance. Experimental studies and prediction algorithms are not available or were not evaluated, and the functional significance of this variant is currently unknown. This variant has not been reported in the literature in individuals with GATA2-related conditions. This variant is not present in population databases (ExAC no frequency). This variant, c.1161_1172del, results in the deletion of 4 amino acid(s) of the GATA2 protein (p.Met388_Glu391del), but otherwise preserves the integrity of the reading frame.

GeneDx
Classification: Uncertain significance. Last evaluated: 2021-01-12. Review status: criteria provided, single submitter. Criteria: GeneDx Variant Classification Process June 2021. Collection method: clinical testing. Allele origin: germline. Affected: yes.
Comment: Not observed in large population cohorts (Lek 2016); In-frame deletion of 4 amino acids in a non-repeat region; In silico analysis supports a deleterious effect on protein structure/function; Has not been previously published as germline pathogenic or benign to our knowledge

NM_032638.5(GATA2):c.1161_1172del (p.Met388_Glu391del)

Gene: GATA2 (GATA binding protein 2; minus strand). Cytogenetic location: 3q21.3.
Variant type: Deletion.
Coding change: c.1161_1172del on transcript NM_032638.5 (MANE Select); coding-DNA positions 1161 to 1172, 12 bases deleted (CATGAAGAAGGA).
Protein change: p.Met388_Glu391del.
Molecular consequence: inframe deletion.
Genome position (GRCh38, 1-based): chr3:128,481,290-128,481,301, TCCTTCTTCATG deleted on the plus strand (CATGAAGAAGGA on the coding strand, the reverse complement: GATA2 is on the minus strand). VCF-style (leftmost placement, unchanged base first): chr3-128481289-TTCCTTCTTCATG-T. GRCh37 (hg19) VCF-style: chr3-128200132-TTCCTTCTTCATG-T.
Other names: c.1161_1172del, p.Met388_Glu391del (NM_001145661.2); c.1119_1130del, p.Met374_Glu377del (NM_001145662.1).
Identifiers: ClinVar variation 1315005 (VCV001315005.9), dbSNP rs2107668082, ClinGen allele CA2573052067.
Genomic context (GRCh38, chr3:128,481,289, plus strand): 5'-CGCCCCTTTCTTGCTCTTCTTGGACTTGTTGGACATCTTCCGGTTCCGAGTCTGGATCCC[TTCCTTCTTCATG>T]GTCAGTGGCCTGTTAACCTAGAGGCAACCACCAGTTTTCAGAGGGCCAGTTCCTTCCTCC-3'